The following is an entry in ClinVar:

NM_000937.5(POLR2A):c.205G>T (p.Gly69Cys)

Gene: POLR2A (RNA polymerase II subunit A; plus strand). Cytogenetic location: 17p13.1.
Variant type: single nucleotide variant.
Coding change: c.205G>T on transcript NM_000937.5 (MANE Select); coding-DNA position 205, G replaced by T.
Protein change: p.Gly69Cys; replaces glycine 69 with cysteine.
Molecular consequence: missense variant.
Genome position (GRCh38, 1-based): chr17:7,496,052, G>T. VCF-style: chr17-7496052-G-T. GRCh37 (hg19) VCF-style: chr17-7399371-G-T.
Other names: short protein forms G69C.
Identifiers: ClinVar variation 3364421 (VCV003364421.1).

ClinVar aggregate classification (germline): Uncertain significance (1 of 4 stars; one submission).

Submission:

GeneDx
Classification: Uncertain significance. Last evaluated: 2023-11-17. Review status: criteria provided, single submitter. Criteria: GeneDx Variant Classification Process June 2021. Collection method: clinical testing. Allele origin: germline. Affected: yes.
Comment: Not observed at significant frequency in large population cohorts (gnomAD); In silico analysis supports that this missense variant has a deleterious effect on protein structure/function; Has not been previously published as pathogenic or benign to our knowledge